The following is an entry in ClinVar:

NM_147127.5(EVC2):c.2297G>A (p.Arg766His)

Gene: EVC2 (EvC ciliary complex subunit 2; minus strand). Cytogenetic location: 4p16.2.
Variant type: single nucleotide variant.
Coding change: c.2297G>A on transcript NM_147127.5 (MANE Select); coding-DNA position 2297, G replaced by A.
Protein change: p.Arg766His; replaces arginine 766 with histidine.
Molecular consequence: missense variant.
Genome position (GRCh38, 1-based): chr4:5,622,741, C>T on the plus strand (G>A on the coding strand, the complement: EVC2 is on the minus strand). VCF-style: chr4-5622741-C-T. GRCh37 (hg19) VCF-style: chr4-5624468-C-T.
Other names: c.2057G>A, p.Arg686His (NM_001166136.2); short protein forms R686H, R766H.
Identifiers: ClinVar variation 2053617 (VCV002053617.2), dbSNP rs149854557, ClinGen allele CA2834758.
Genomic context (GRCh38, chr4:5,622,741, plus strand): 5'-GCAGCCATCTCCTTGCCGTGCTCCTCCAGGATCTGCTGCAGGAAGAGCCAGGGCACCCCA[C>T]GCTTGAGCAGCTCCTGGGTCATGGCTGAGTTCTGCAGGCGCCGCAGCTCGTCGGTGGCCT-3'
Protein context (NP_667338.3, residues 756-776): NSAMTQELLK[Arg766His]GVPWLFLQQI

ClinVar aggregate classification (germline): Uncertain significance (1 of 4 stars; one submission).

Conditions:
Ellis-van Creveld syndrome (EVC). Also called: Chondroectodermal dysplasia; MESOECTODERMAL DYSPLASIA; EVC-Related Ellis-van Creveld Syndrome; EVC2-Related Ellis-van Creveld Syndrome. Identifiers: Orphanet 289, MedGen C0013903, MONDO:0009162, OMIM 225500.
Curry-Hall syndrome (WAD). Also called: WEYERS ACRODENTAL DYSOSTOSIS. Identifiers: Orphanet 952, MedGen C0457013, MONDO:0008673, OMIM 193530.

Allele frequency attached by ClinVar (database versions not stated): ESP Exome Variant Server 0.00008.
gnomAD v4.1: 21 of 1,613,962 alleles (0.0013%); highest among the groups gnomAD compares: Middle Eastern, 0.016%; no homozygotes.

Submission:

Labcorp Genetics (formerly Invitae), Labcorp
Classification: Uncertain significance for Curry-Hall syndrome; Ellis-van Creveld syndrome. Last evaluated: 2025-01-07. Review status: criteria provided, single submitter. Criteria: Invitae Variant Classification Sherloc (09022015). Collection method: clinical testing. Allele origin: germline.
Comment: This sequence change replaces arginine, which is basic and polar, with histidine, which is basic and polar, at codon 766 of the EVC2 protein (p.Arg766His). This variant is present in population databases (rs149854557, gnomAD 0.009%). This variant has not been reported in the literature in individuals affected with EVC2-related conditions. ClinVar contains an entry for this variant (Variation ID: 2053617). An algorithm developed to predict the effect of missense changes on protein structure and function outputs the following: PolyPhen-2: "Benign". The histidine amino acid residue is found in multiple mammalian species, which suggests that this missense change does not adversely affect protein function. In summary, the available evidence is currently insufficient to determine the role of this variant in disease. Therefore, it has been classified as a Variant of Uncertain Significance.